The following is an entry in ClinVar:

NM_194454.3(KRIT1):c.629dup (p.Tyr210Ter)

Gene: KRIT1 (KRIT1 ankyrin repeat containing; minus strand). Cytogenetic location: 7q21.2.
Variant type: Duplication.
Coding change: c.629dup on transcript NM_194454.3 (MANE Select); coding-DNA position 629, one base duplicated (A; older notation c.629dupA).
Protein change: p.Tyr210Ter; replaces tyrosine 210 with a stop codon.
Molecular consequence: nonsense. On other transcripts: intron variant (1).
Genome position (GRCh38, 1-based): chr7:92,235,503, T duplicated on the plus strand (A on the coding strand, the reverse complement: KRIT1 is on the minus strand). VCF-style (leftmost placement, unchanged base first): chr7-92235502-A-AT. GRCh37 (hg19) VCF-style: chr7-91864816-A-AT.
Other names: c.629dup, p.Tyr210Ter (NM_001013406.2, NM_001350669.1, NM_001350670.1 and 29 more transcripts); c.15+31dup (NM_001350671.1); short protein forms Y210*.
Identifiers: ClinVar variation 1433604 (VCV001433604.6), dbSNP rs2131662142, ClinGen allele CA2573142416.

ClinVar aggregate classification (germline): Pathogenic (1 of 4 stars; one submission).

Conditions:
Cerebral cavernous malformation (CCM). Also called: CAVERNOUS ANGIOMA, FAMILIAL; CAVERNOUS ANGIOMATOUS MALFORMATIONS; CEREBRAL CAPILLARY MALFORMATIONS; Cavernous Hemangioma of Brain; Cerebral cavernous hemangioma (type); Cerebral cavernous malformations. Identifiers: Orphanet 221061, MedGen C2919945, MONDO:0000820, OMIM 116860, HP:0033522.

Submission:

Labcorp Genetics (formerly Invitae), Labcorp
Classification: Pathogenic for Cerebral cavernous malformation. Last evaluated: 2021-06-30. Review status: criteria provided, single submitter. Criteria: Invitae Variant Classification Sherloc (09022015). Collection method: clinical testing. Allele origin: germline.
Comment: For these reasons, this variant has been classified as Pathogenic. This variant has not been reported in the literature in individuals affected with KRIT1-related conditions. This variant is not present in population databases (ExAC no frequency). This sequence change creates a premature translational stop signal (p.Tyr210*) in the KRIT1 gene. It is expected to result in an absent or disrupted protein product. Loss-of-function variants in KRIT1 are known to be pathogenic (PMID: 10508515, 11222804, 12404106, 24689081).

Literature cited by the submitters: PubMed 10508515; PubMed 11222804; PubMed 12404106; PubMed 24689081.